The following is an entry in ClinVar:

ClinVar aggregate classification (germline): Uncertain significance. Review status: criteria provided, multiple submitters, no conflicts (2 of 4 stars). 2 submissions from 2 submitters: Uncertain significance (2). Last evaluated 2022-02-02.

Conditions:
Charcot-Marie-Tooth disease axonal type 2T. Identifiers: Orphanet 443950, MedGen C4015635, OMIM 617017, MONDO:0014866.
Charcot-Marie-Tooth disease type 2. Also called: Charcot-Marie-Tooth type 2. Identifiers: Orphanet 64746, MedGen C0270914, MONDO:0018993.

Allele frequency attached by ClinVar (database versions not stated): gnomAD exomes 0.00001.
gnomAD v4.1: 7 of 1,613,752 alleles (0.00043%); highest among the groups gnomAD compares: Non-Finnish European, 0.00059%; no homozygotes.

Submissions (2):

Victorian Clinical Genetics Services, Murdoch Childrens Research Institute
Classification: Uncertain significance for Charcot-Marie-Tooth disease axonal type 2T. Last evaluated: 2022-02-02. Review status: criteria provided, single submitter. Criteria: ACMG Guidelines, 2015. Collection method: clinical testing. Allele origin: germline.
Comment: Based on the classification scheme VCGS_Germline_v1.3.4, this variant is classified as VUS-3A. Following criteria are met: 0102 - Loss of function is a known mechanism of disease in this gene and is associated with Charcot-Marie-Tooth disease, axonal, type 2T (MIM#617017). (I) 0108 - This gene is associated with both recessive and dominant disease. (PMID: 33144514). (I) 0112 - The condition associated with this gene has incomplete penetrance. Heterozygous variants are reported to be incompletely penetrant and are associated with later onset of disease (PMID: 33144514). (I) 0212 - Non-canonical splice site variant without proven consequence on splicing (no functional evidence available). (SP) 0251 - This variant is heterozygous. (I) 0301 - Variant is absent from gnomAD (both v2 and v3). (SP) 0505 - Abnormal splicing is predicted by in silico tools and affected nucleotide is highly conserved. (SP) 0705 - No comparable non-canonical splice site variants have previous evidence for pathogenicity. (I) 0807 - This variant has no previous evidence of pathogenicity. It has, however, been reported as a variant of unknown significance in ClinVar. (I) 0905 - No published segregation evidence has been identified for this variant. (I) 1007 - No published functional evidence has been identified for this variant. (I) 1208 - Inheritance information for this variant is not currently available in this individual. (I) Legend: (SP) - Supporting pathogenic, (I) - Information, (SB) - Supporting benign

Molecular Genetics, Royal Melbourne Hospital
Classification: Uncertain significance for Charcot-Marie-Tooth disease type 2. Last evaluated: 2020-12-17. Review status: criteria provided, single submitter. Criteria: ACMG Guidelines, 2015. Collection method: clinical testing. Allele origin: germline. Affected: yes.
Comment: This sequence change falls in the splice region of the donor site of intron 11 of MME. The variant is absent in a large population cohort (gnomAD v2.1 and v3.1), and has not been reported in the relevant medical literature and databases. The nucleotide is highly conserved (100 vertebrates, UCSC), and multiple lines of computational evidence predict a impact on splicing (SpliceAI, MaxEntScan, NNSplice). Based on the classification scheme RMH Modified ACMG Guidelines v1.3.1, this variant is classified as a VARIANT OF UUNCERTAIN SIGNIFICANCE. Following criteria are met: PM2_Supporting, PP3.

Literature cited by the submitters: PubMed 33144514 (cited by Victorian Clinical Genetics Services, Murdoch Childrens Research Institute).

NM_007289.4(MME):c.1094+5G>T

Gene: MME (membrane metalloendopeptidase; plus strand). Cytogenetic location: 3q25.2.
Variant type: single nucleotide variant.
Coding change: c.1094+5G>T on transcript NM_007289.4 (MANE Select); 5 bases into the intron after coding-DNA position 1094, G replaced by T.
Molecular consequence: intron variant.
Genome position (GRCh38, 1-based): chr3:155,142,132, G>T. VCF-style: chr3-155142132-G-T. GRCh37 (hg19) VCF-style: chr3-154859921-G-T.
Other names: c.1094+5G>T (NM_007289.3, NM_007287.4, NM_007288.3 and 3 more transcripts).
Identifiers: ClinVar variation 1678584 (VCV001678584.3), dbSNP rs1048105813, ClinGen allele CA1139768709.